The following is an entry in ClinVar:

NM_001377530.1(DMBT1):c.1986A>G (p.Gly662=)

Gene: DMBT1 (deleted in malignant brain tumors 1; plus strand). Cytogenetic location: 10q26.13.
Variant type: single nucleotide variant.
Coding change: c.1986A>G on transcript NM_001377530.1 (MANE Select); coding-DNA position 1986, A replaced by G.
Protein change: p.Gly662=; no amino-acid change (glycine 662 retained).
Molecular consequence: synonymous variant. On other transcripts: intron variant (1).
Genome position (GRCh38, 1-based): chr10:122,589,146, A>G. VCF-style: chr10-122589146-A-G. GRCh37 (hg19) VCF-style: chr10-124348662-A-G.
Other names: c.1986A>G, p.Gly662= (NM_001320644.2, NM_007329.3); c.1956A>G, p.Gly652= (NM_017579.3); c.1420+4795A>G (NM_004406.3).
Identifiers: ClinVar variation 2640927 (VCV002640927.24), dbSNP rs2497862451, ClinGen allele CA471746166.

ClinVar aggregate classification (germline): Likely benign (1 of 4 stars; one submission).

Submission:

CeGaT Center for Human Genetics Tuebingen
Classification: Likely benign. Last evaluated: 2026-05-01. Review status: criteria provided, single submitter. Criteria: CeGaT Center For Human Genetics Tuebingen Variant Classification Criteria Version 2. Collection method: clinical testing. Allele origin: germline. Affected: yes. Observed: 2 variant alleles.
Comment: DMBT1: PM2:Supporting, BP4, BP7